The following is an entry in ClinVar:

ClinVar aggregate classification (germline): Uncertain significance. Review status: criteria provided, multiple submitters, no conflicts (2 of 4 stars). 2 submissions from 2 submitters: Uncertain significance (2). Last evaluated 2023-03-24.

Conditions:
Inborn genetic diseases. Identifiers: MedGen C0950123, MeSH D030342.

Allele frequency attached by ClinVar (database versions not stated): gnomAD exomes below 0.00001; ExAC 0.00001; gnomAD 0.00001.
gnomAD v4.1: 7 of 1,609,978 alleles (0.00043%); highest among the groups gnomAD compares: Non-Finnish European, 0.00059%; no homozygotes.

Submissions (2):

Ambry Genetics
Classification: Uncertain significance for Inborn genetic diseases. Last evaluated: 2023-03-24. Review status: criteria provided, single submitter. Criteria: Ambry Variant Classification Scheme 2023. Collection method: clinical testing. Allele origin: germline.

Labcorp Genetics (formerly Invitae), Labcorp
Classification: Uncertain significance. Last evaluated: 2021-08-30. Review status: criteria provided, single submitter. Criteria: Invitae Variant Classification Sherloc (09022015). Collection method: clinical testing. Allele origin: germline.
Comment: This sequence change replaces glutamic acid with glycine at codon 14 of the DVL3 protein (p.Glu14Gly). The glutamic acid residue is weakly conserved and there is a moderate physicochemical difference between glutamic acid and glycine. This variant is present in population databases (rs765409582, ExAC 0.002%). This variant has not been reported in the literature in individuals affected with DVL3-related conditions. Algorithms developed to predict the effect of missense changes on protein structure and function are either unavailable or do not agree on the potential impact of this missense change (SIFT: "Tolerated"; PolyPhen-2: "Probably Damaging"; Align-GVGD: "Class C0"). In summary, the available evidence is currently insufficient to determine the role of this variant in disease. Therefore, it has been classified as a Variant of Uncertain Significance.

NM_004423.4(DVL3):c.41A>G (p.Glu14Gly)

Gene: DVL3 (dishevelled segment polarity protein 3; plus strand). Cytogenetic location: 3q27.1.
Variant type: single nucleotide variant.
Coding change: c.41A>G on transcript NM_004423.4 (MANE Select); coding-DNA position 41, A replaced by G.
Protein change: p.Glu14Gly; replaces glutamic acid 14 with glycine.
Molecular consequence: missense variant.
Genome position (GRCh38, 1-based): chr3:184,155,676, A>G. VCF-style: chr3-184155676-A-G. GRCh37 (hg19) VCF-style: chr3-183873464-A-G.
Other names: c.41A>G (NM_004423.3); short protein forms E14G.
Identifiers: ClinVar variation 1354288 (VCV001354288.3), dbSNP rs765409582, ClinGen allele CA2726956.